The following is an entry in ClinVar:

ClinVar aggregate classification (germline): Uncertain significance (1 of 4 stars; one submission).

Conditions:
Inborn genetic diseases. Identifiers: MedGen C0950123, MeSH D030342.

Submission:

Ambry Genetics
Classification: Uncertain significance for Inborn genetic diseases. Last evaluated: 2026-03-30. Review status: criteria provided, single submitter. Criteria: Ambry Variant Classification Scheme 2023. Collection method: clinical testing. Allele origin: germline.
Comment: The p.D394V variant (also known as c.1181A>T), located in coding exon 10 of the ANKRD26 gene, results from an A to T substitution at nucleotide position 1181. The aspartic acid at codon 394 is replaced by valine, an amino acid with highly dissimilar properties. This amino acid position is conserved. In addition, this alteration is predicted to be tolerated by in silico analysis. Based on the available evidence, the clinical significance of this variant remains unclear.

NM_014915.3(ANKRD26):c.1181A>T (p.Asp394Val)

Gene: ANKRD26 (ankyrin repeat domain 26; minus strand). Cytogenetic location: 10p12.1.
Variant type: single nucleotide variant.
Coding change: c.1181A>T on transcript NM_014915.3 (MANE Select); coding-DNA position 1181, A replaced by T.
Protein change: p.Asp394Val; replaces aspartic acid 394 with valine.
Molecular consequence: missense variant.
Genome position (GRCh38, 1-based): chr10:27,067,183, T>A on the plus strand (A>T on the coding strand, the complement: ANKRD26 is on the minus strand). VCF-style: chr10-27067183-T-A. GRCh37 (hg19) VCF-style: chr10-27356112-T-A.
Other names: c.1181A>T, p.Asp394Val (NM_001256053.2); short protein forms D394V.
Identifiers: ClinVar variation 4859180 (VCV004859180.1).
Genomic context (GRCh38, chr10:27,067,183, plus strand): 5'-ATAGAAAAATATTCAGAGATATCCACTAACTTACCACTTCTATTATTTTTGTGCACTTCA[T>A]CAACATAAGTCAAATTGTCATTATTTGTTTGCTCTAGTGGAGCACTTTCAATAATATCAA-3'
Protein context (NP_055730.2, residues 384-404): QTNNDNLTYV[Asp394Val]EVHKNNRSDM